The following is an entry in ClinVar:

ClinVar aggregate classification (germline): Uncertain significance (1 of 4 stars; one submission).

Conditions:
Cardiovascular phenotype. Identifiers: MedGen CN230736.

Submission:

Ambry Genetics
Classification: Uncertain significance for Cardiovascular phenotype. Last evaluated: 2019-03-17. Review status: criteria provided, single submitter. Criteria: Ambry Variant Classification Scheme 2023. Collection method: clinical testing. Allele origin: germline.
Comment: The p.E209Q variant (also known as c.625G>C), located in coding exon 5 of the GATAD1 gene, results from a G to C substitution at nucleotide position 625. The glutamic acid at codon 209 is replaced by glutamine, an amino acid with highly similar properties. This amino acid position is highly conserved in available vertebrate species. In addition, the in silico prediction for this alteration is inconclusive. Since supporting evidence is limited at this time, the clinical significance of this alteration remains unclear.

NM_021167.5(GATAD1):c.625G>C (p.Glu209Gln)

Gene: GATAD1 (GATA zinc finger domain containing 1; plus strand). Cytogenetic location: 7q21.2.
Variant type: single nucleotide variant.
Coding change: c.625G>C on transcript NM_021167.5 (MANE Select); coding-DNA position 625, G replaced by C.
Protein change: p.Glu209Gln; replaces glutamic acid 209 with glutamine.
Molecular consequence: missense variant. On other transcripts: non-coding transcript variant (1).
Genome position (GRCh38, 1-based): chr7:92,456,377, G>C. VCF-style: chr7-92456377-G-C. GRCh37 (hg19) VCF-style: chr7-92085691-G-C.
Other names: short protein forms E209Q.
Identifiers: ClinVar variation 1752492 (VCV001752492.2), dbSNP rs1300188879, ClinGen allele CA368162551.